The following is an entry in ClinVar:

NM_015271.5(TRIM2):c.1410C>A (p.Ser470Arg)

Gene: TRIM2 (tripartite motif containing 2; plus strand). Cytogenetic location: 4q31.3.
Variant type: single nucleotide variant.
Coding change: c.1410C>A on transcript NM_015271.5 (MANE Select); coding-DNA position 1410, C replaced by A.
Protein change: p.Ser470Arg; replaces serine 470 with arginine.
Molecular consequence: missense variant.
Genome position (GRCh38, 1-based): chr4:153,295,936, C>A. VCF-style: chr4-153295936-C-A. GRCh37 (hg19) VCF-style: chr4-154217088-C-A.
Other names: c.1329C>A, p.Ser443Arg (NM_001130067.2, NM_001351056.2, NM_001375512.1 and 5 more transcripts); c.1383C>A, p.Ser461Arg (NM_001351054.2); c.1380C>A, p.Ser460Arg (NM_001351055.2); c.954C>A, p.Ser318Arg (NM_001351057.2); c.1503C>A, p.Ser501Arg (NM_001375488.1); c.1500C>A, p.Ser500Arg (NM_001375489.1); c.1353C>A, p.Ser451Arg (NM_001375490.1); c.1350C>A, p.Ser450Arg (NM_001375491.1); and 3 more; short protein forms S318R, S443R, S461R, S358R, S450R, S451R, S460R, S500R.
Identifiers: ClinVar variation 2985316 (VCV002985316.3), dbSNP rs762106034, ClinGen allele CA358473650.

ClinVar aggregate classification (germline): Uncertain significance (1 of 4 stars; one submission).

Conditions:
Charcot-Marie-Tooth disease type 2R. Also called: Charcot-Marie-Tooth disease, axonal, type 2R; CHARCOT-MARIE-TOOTH DISEASE, AXONAL, AUTOSOMAL RECESSIVE, TYPE 2R; CHARCOT-MARIE-TOOTH NEUROPATHY, TYPE 2R. Identifiers: Orphanet 397968, MedGen C3809655, MONDO:0014208, OMIM 615490.

gnomAD v4.1: 4 of 1,594,108 alleles (0.00025%); highest among the groups gnomAD compares: Non-Finnish European, 0.00034%; no homozygotes.

Submission:

Labcorp Genetics (formerly Invitae), Labcorp
Classification: Uncertain significance for Charcot-Marie-Tooth disease type 2R. Last evaluated: 2023-03-08. Review status: criteria provided, single submitter. Criteria: Invitae Variant Classification Sherloc (09022015). Collection method: clinical testing. Allele origin: germline.
Comment: This sequence change replaces serine, which is neutral and polar, with arginine, which is basic and polar, at codon 443 of the TRIM2 protein (p.Ser443Arg). This variant is not present in population databases (gnomAD no frequency). This variant has not been reported in the literature in individuals affected with TRIM2-related conditions. An algorithm developed to predict the effect of missense changes on protein structure and function (PolyPhen-2) suggests that this variant is likely to be tolerated. In summary, the available evidence is currently insufficient to determine the role of this variant in disease. Therefore, it has been classified as a Variant of Uncertain Significance.